The following is an entry in ClinVar:

NM_182914.3(SYNE2):c.14528T>A (p.Phe4843Tyr)

Gene: SYNE2 (spectrin repeat containing nuclear envelope protein 2; plus strand). Cytogenetic location: 14q23.2.
Variant type: single nucleotide variant.
Coding change: c.14528T>A on transcript NM_182914.3 (MANE Select); coding-DNA position 14528, T replaced by A.
Protein change: p.Phe4843Tyr; replaces phenylalanine 4843 with tyrosine.
Molecular consequence: missense variant.
Genome position (GRCh38, 1-based): chr14:64,134,082, T>A. VCF-style: chr14-64134082-T-A. GRCh37 (hg19) VCF-style: chr14-64600800-T-A.
Other names: c.14528T>A, p.Phe4843Tyr (NM_015180.6); short protein forms F4843Y.
Identifiers: ClinVar variation 281790 (VCV000281790.47), dbSNP rs141488398, ClinGen allele CA7222812.

ClinVar aggregate classification (germline): Conflicting classifications of pathogenicity. Review status: criteria provided, conflicting classifications (1 of 4 stars). 7 submissions from 7 submitters: Uncertain significance (1); Benign (3); Likely benign (2). 1 of the submissions does not count toward it. Last evaluated 2026-09-01.

Conditions:
SYNE2-related disorder. Also called: SYNE2-related condition.
Emery-Dreifuss muscular dystrophy 5, autosomal dominant (EDMD5). Also called: EMERY-DREIFUSS MUSCULAR DYSTROPHY 5. Identifiers: Orphanet 261, MedGen C2751805, MONDO:0013072, OMIM 612999.

Allele frequency attached by ClinVar (database versions not stated): 1000 Genomes Project 30x 0.00031; TOPMed 0.00039; 1000 Genomes Project 0.00040; gnomAD 0.00042 and 0.00053; ESP Exome Variant Server 0.00069; gnomAD exomes 0.00079 and 0.00107; ExAC 0.00101.
gnomAD v4.1: 1,253 of 1,614,116 alleles (0.078%); highest among the groups gnomAD compares: South Asian, 0.46%; 8 homozygotes.

Submissions (7):

CeGaT Center for Human Genetics Tuebingen
Classification: Likely benign. Last evaluated: 2026-09-01. Review status: criteria provided, single submitter. Criteria: CeGaT Center For Human Genetics Tuebingen Variant Classification Criteria Version 2. Collection method: clinical testing. Allele origin: germline. Affected: yes. Observed: 6 variant alleles.
Comment: SYNE2: BS1

Labcorp Genetics (formerly Invitae), Labcorp
Classification: Benign for Emery-Dreifuss muscular dystrophy 5, autosomal dominant. Last evaluated: 2026-01-17. Review status: criteria provided, single submitter. Criteria: Invitae Variant Classification Sherloc (09022015). Collection method: clinical testing. Allele origin: germline.

Athena Diagnostics
Classification: Benign. Last evaluated: 2019-04-27. Review status: criteria provided, single submitter. Criteria: Athena Diagnostics Criteria. Collection method: clinical testing. Allele origin: germline.

Genomic Research Center, Shahid Beheshti University of Medical Sciences
Classification: Uncertain significance for Emery-Dreifuss muscular dystrophy 5, autosomal dominant. Last evaluated: 2018-08-07. Review status: criteria provided, single submitter. Criteria: ACMG Guidelines, 2015. Collection method: clinical testing. Allele origin: inherited. Affected: yes. Observed: 1 variant allele.

Illumina Laboratory Services, Illumina
Classification: Benign for Emery-Dreifuss muscular dystrophy 5, autosomal dominant. Last evaluated: 2018-01-12. Review status: criteria provided, single submitter. Criteria: ICSL Variant Classification Criteria 13 December 2019. Collection method: clinical testing. Allele origin: germline.
Comment: This variant was observed in the ICSL laboratory as part of a predisposition screen in an ostensibly healthy population. It had not been previously curated by ICSL or reported in the Human Gene Mutation Database (HGMD: prior to June 1st, 2018), and was therefore a candidate for classification through an automated scoring system. Utilizing variant allele frequency, disease prevalence and penetrance estimates, and inheritance mode, an automated score was calculated to assess if this variant is too frequent to cause the disease. Based on the score and internal cut-off values, a variant classified as benign is not then subjected to further curation. The score for this variant resulted in a classification of benign for this disease.

Eurofins Ntd Llc (ga)
Classification: Likely benign. Last evaluated: 2015-07-14. Review status: criteria provided, single submitter. Criteria: EGL Classification Definitions 2015. Collection method: clinical testing. Allele origin: germline. Observed: 1 variant allele, 1 heterozygote.

PreventionGenetics, part of Exact Sciences
Classification: Likely benign for SYNE2-related condition. Last evaluated: 2022-07-18. Review status: no assertion criteria provided. Collection method: clinical testing. Allele origin: germline. Not counted in ClinVar's aggregate classification.
Comment: This variant is classified as likely benign based on ACMG/AMP sequence variant interpretation guidelines (Richards et al. 2015 PMID: 25741868, with internal and published modifications).

Literature cited by the submitters: PubMed 28074886 (cited by Athena Diagnostics); PubMed 26094658 (cited by Athena Diagnostics).